The following is an entry in ClinVar:

NM_007186.6(CEP250):c.5312T>G (p.Leu1771Arg)

Gene: CEP250 (centrosomal protein 250; plus strand). Cytogenetic location: 20q11.22.
Variant type: single nucleotide variant.
Coding change: c.5312T>G on transcript NM_007186.6 (MANE Select); coding-DNA position 5312, T replaced by G.
Protein change: p.Leu1771Arg; replaces leucine 1771 with arginine.
Molecular consequence: missense variant.
Genome position (GRCh38, 1-based): chr20:35,503,681, T>G. VCF-style: chr20-35503681-T-G. GRCh37 (hg19) VCF-style: chr20-34091509-T-G.
Other names: c.3416T>G, p.Leu1139Arg (NM_001318219.1); short protein forms L1139R, L1771R.
Identifiers: ClinVar variation 2066862 (VCV002066862.2), dbSNP rs376251518, ClinGen allele CA314160792.

ClinVar aggregate classification (germline): Uncertain significance. Review status: criteria provided, multiple submitters, no conflicts (2 of 4 stars). 2 submissions from 2 submitters: Uncertain significance (2). Last evaluated 2022-02-08.

Allele frequency attached by ClinVar (database versions not stated): gnomAD exomes 0.00001; TOPMed 0.00003; ESP Exome Variant Server 0.00008.
gnomAD v4.1: 12 of 1,613,876 alleles (0.00074%); highest among the groups gnomAD compares: Admixed American, 0.0017%; no homozygotes.

Submissions (2):

Labcorp Genetics (formerly Invitae), Labcorp
Classification: Uncertain significance. Last evaluated: 2022-02-08. Review status: criteria provided, single submitter. Criteria: Invitae Variant Classification Sherloc (09022015). Collection method: clinical testing. Allele origin: germline.
Comment: This sequence change replaces leucine with arginine at codon 1771 of the CEP250 protein (p.Leu1771Arg). The leucine residue is moderately conserved and there is a moderate physicochemical difference between leucine and arginine. This variant is present in population databases (rs376251518, gnomAD 0.003%). This variant has not been reported in the literature in individuals affected with CEP250-related conditions. Algorithms developed to predict the effect of missense changes on protein structure and function are either unavailable or do not agree on the potential impact of this missense change (SIFT: "Not Available"; PolyPhen-2: "Probably Damaging"; Align-GVGD: "Not Available"). In summary, the available evidence is currently insufficient to determine the role of this variant in disease. Therefore, it has been classified as a Variant of Uncertain Significance.

Ambry Genetics
Classification: Uncertain significance. Last evaluated: 2021-11-09. Review status: criteria provided, single submitter. Criteria: Ambry Variant Classification Scheme 2023. Collection method: clinical testing. Allele origin: germline.